The following is an entry in ClinVar:

ClinVar aggregate classification (germline): Uncertain significance (1 of 4 stars; one submission).

Submission:

Labcorp Genetics (formerly Invitae), Labcorp
Classification: Uncertain significance. Last evaluated: 2025-08-17. Review status: criteria provided, single submitter. Criteria: Invitae Variant Classification Sherloc (09022015). Collection method: clinical testing. Allele origin: germline.
Comment: This sequence change replaces aspartic acid, which is acidic and polar, with glutamic acid, which is acidic and polar, at codon 572 of the CRAT protein (p.Asp572Glu). This variant is present in population databases (no rsID available, gnomAD 0.002%). This variant has not been reported in the literature in individuals affected with CRAT-related conditions. ClinVar contains an entry for this variant (Variation ID: 1508244). Invitae Evidence Modeling of protein sequence and biophysical properties (such as structural, functional, and spatial information, amino acid conservation, physicochemical variation, residue mobility, and thermodynamic stability) indicates that this missense variant is not expected to disrupt CRAT protein function with a negative predictive value of 80%. In summary, the available evidence is currently insufficient to determine the role of this variant in disease. Therefore, it has been classified as a Variant of Uncertain Significance.

NM_000755.5(CRAT):c.1716C>G (p.Asp572Glu)

Gene: CRAT (carnitine O-acetyltransferase; minus strand). Cytogenetic location: 9q34.11.
Variant type: single nucleotide variant.
Coding change: c.1716C>G on transcript NM_000755.5 (MANE Select); coding-DNA position 1716, C replaced by G.
Protein change: p.Asp572Glu; replaces aspartic acid 572 with glutamic acid.
Molecular consequence: missense variant.
Genome position (GRCh38, 1-based): chr9:129,095,562, G>C on the plus strand (C>G on the coding strand, the complement: CRAT is on the minus strand). VCF-style: chr9-129095562-G-C. GRCh37 (hg19) VCF-style: chr9-131857841-G-C.
Other names: c.1653C>G, p.Asp551Glu (NM_001257363.3, NM_004003.4); c.1719C>G, p.Asp573Glu (NM_001346546.2); c.1644C>G, p.Asp548Glu (NM_001346547.2); c.1581C>G, p.Asp527Glu (NM_001346548.2); c.1596C>G, p.Asp532Glu (NM_001346549.2); short protein forms D527E, D548E, D551E, D572E, D532E, D573E.
Identifiers: ClinVar variation 1508244 (VCV001508244.6), dbSNP rs141640684, ClinGen allele CA375139415.